The following is an entry in ClinVar:

NM_006421.5(ARFGEF1):c.3565G>A (p.Glu1189Lys)

Gene: ARFGEF1 (ARF guanine nucleotide exchange factor 1; minus strand). Cytogenetic location: 8q13.2.
Variant type: single nucleotide variant.
Coding change: c.3565G>A on transcript NM_006421.5 (MANE Select); coding-DNA position 3565, G replaced by A.
Protein change: p.Glu1189Lys; replaces glutamic acid 1189 with lysine.
Molecular consequence: missense variant. On other transcripts: non-coding transcript variant (1).
Genome position (GRCh38, 1-based): chr8:67,227,989, C>T on the plus strand (G>A on the coding strand, the complement: ARFGEF1 is on the minus strand). VCF-style: chr8-67227989-C-T. GRCh37 (hg19) VCF-style: chr8-68140224-C-T.
Other names: c.3565G>A, p.Glu1189Lys (NM_001413184.1, NM_001413185.1, NM_001413186.1 and 6 more transcripts); c.2965G>A, p.Glu989Lys (NM_001413188.1, NM_001413193.1, NM_001413197.1); c.3559G>A, p.Glu1187Lys (NM_001413190.1); c.2140G>A, p.Glu714Lys (NM_001413196.1); short protein forms E1187K, E1189K, E714K, E989K.
Identifiers: ClinVar variation 3901735 (VCV003901735.1).

ClinVar aggregate classification (germline): Uncertain significance (1 of 4 stars; one submission).

gnomAD v4.1: 1 of 1,581,904 alleles (0.000063%); highest among the groups gnomAD compares: Non-Finnish European, 0.000085%; no homozygotes.

Submission:

GeneDx
Classification: Uncertain significance. Last evaluated: 2024-12-04. Review status: criteria provided, single submitter. Criteria: GeneDx Variant Classification Process June 2021. Collection method: clinical testing. Allele origin: germline. Affected: yes.
Comment: Not observed at significant frequency in large population cohorts (gnomAD); In silico analysis indicates that this missense variant does not alter protein structure/function; Has not been previously published as pathogenic or benign to our knowledge